The following is an entry in ClinVar:

ClinVar aggregate classification (germline): Pathogenic (1 of 4 stars; one submission).

Conditions:
COL4A5-related disorder. Also called: COL4A5-related condition.

Submission:

PreventionGenetics, part of Exact Sciences
Classification: Pathogenic for COL4A5-related condition. Last evaluated: 2023-08-01. Review status: criteria provided, single submitter. Criteria: ACMG Guidelines, 2015. Collection method: clinical testing. Allele origin: germline.
Comment: The COL4A5 c.2740_2745delinsC variant is predicted to result in a frameshift and premature protein termination (p.Gly914Glnfs*7). To our knowledge, this variant has not been reported in the literature or in a large population database, indicating this variant is rare. Frameshift variants in COL4A5 are expected to be pathogenic. This variant is interpreted as pathogenic.

NM_033380.3(COL4A5):c.2740_2745delinsC (p.Gly914fs)

Gene: COL4A5 (collagen type IV alpha 5 chain; plus strand). Cytogenetic location: Xq22.3.
Variant type: Indel.
Coding change: c.2740_2745delinsC on transcript NM_033380.3 (MANE Select); coding-DNA positions 2740 to 2745, GGCAGG replaced by C.
Protein change: p.Gly914fs; shifts the reading frame from glycine 914.
Molecular consequence: frameshift variant.
Genome position (GRCh38, 1-based): chrX:108,621,865-108,621,870, GGCAGG replaced by C. VCF-style: chrX-108621865-GGCAGG-C. GRCh37 (hg19) VCF-style: chrX-107865095-GGCAGG-C.
Other names: c.2740_2745delinsC, p.Gly914fs (NM_000495.5); short protein forms G914fs.
Identifiers: ClinVar variation 2631745 (VCV002631745.1), dbSNP rs2524403948, ClinGen allele CA2695197175.